The following is an entry in ClinVar:

ClinVar aggregate classification (germline): Pathogenic (1 of 4 stars; one submission).

Conditions:
Immunodeficiency-centromeric instability-facial anomalies syndrome 2 (ICF2). Identifiers: Orphanet 2268, MedGen C3279748, MONDO:0013553, OMIM 614069.

Allele frequency attached by ClinVar (database versions not stated): TOPMed below 0.00001.

Submission:

Labcorp Genetics (formerly Invitae), Labcorp
Classification: Pathogenic for Immunodeficiency-centromeric instability-facial anomalies syndrome 2. Last evaluated: 2023-07-25. Review status: criteria provided, single submitter. Criteria: Invitae Variant Classification Sherloc (09022015). Collection method: clinical testing. Allele origin: germline.
Comment: For these reasons, this variant has been classified as Pathogenic. ClinVar contains an entry for this variant (Variation ID: 1353720). This variant has not been reported in the literature in individuals affected with ZBTB24-related conditions. This variant is not present in population databases (gnomAD no frequency). This sequence change creates a premature translational stop signal (p.Ser373*) in the ZBTB24 gene. It is expected to result in an absent or disrupted protein product. Loss-of-function variants in ZBTB24 are known to be pathogenic (PMID: 21596365).

Literature cited by the submitters: PubMed 21596365.

NM_014797.3(ZBTB24):c.1118C>G (p.Ser373Ter)

Gene: ZBTB24 (zinc finger and BTB domain containing 24; minus strand). Cytogenetic location: 6q21.
Variant type: single nucleotide variant.
Coding change: c.1118C>G on transcript NM_014797.3 (MANE Select); coding-DNA position 1118, C replaced by G.
Protein change: p.Ser373Ter; replaces serine 373 with a stop codon.
Molecular consequence: nonsense.
Genome position (GRCh38, 1-based): chr6:109,476,765, G>C on the plus strand (C>G on the coding strand, the complement: ZBTB24 is on the minus strand). VCF-style: chr6-109476765-G-C. GRCh37 (hg19) VCF-style: chr6-109797968-G-C.
Other names: short protein forms S373*.
Identifiers: ClinVar variation 1353720 (VCV001353720.6), dbSNP rs1213180923, ClinGen allele CA365203613.